The following is an entry in ClinVar:

NM_022081.6(HPS4):c.1455G>A (p.Thr485=)

Gene: HPS4 (HPS4 biogenesis of lysosomal organelles complex 3 subunit 2; minus strand). Cytogenetic location: 22q12.1.
Variant type: single nucleotide variant.
Coding change: c.1455G>A on transcript NM_022081.6 (MANE Select); coding-DNA position 1455, G replaced by A.
Protein change: p.Thr485=; no amino-acid change (threonine 485 retained).
Molecular consequence: synonymous variant. On other transcripts: non-coding transcript variant (8).
Genome position (GRCh38, 1-based): chr22:26,464,175, C>T on the plus strand (G>A on the coding strand, the complement: HPS4 is on the minus strand). VCF-style: chr22-26464175-C-T. GRCh37 (hg19) VCF-style: chr22-26860141-C-T.
Other names: c.1455G>A, p.Thr485= (NM_001349896.1, NM_001349898.2, NM_001349899.2 and 4 more transcripts); c.1509G>A, p.Thr503= (NM_001349900.2, NM_001349901.1); c.1440G>A, p.Thr480= (NM_152841.2).
Identifiers: ClinVar variation 901596 (VCV000901596.12), dbSNP rs756215705, ClinGen allele CA10163321.
Genomic context (GRCh38, chr22:26,464,175, plus strand): 5'-ACCAGGGGCTGCGTGGCTTTCACAGACCCCATCAACATCCTCATCCAGGCCTTGTTCCCC[C>T]GTGGGAAGCTTGTTTCCTCTCTGTCCTGGATCTAAGCGAGGCAATAACAAGGGCCTGCGG-3'
Protein context (NP_071364.4, residues 475-495): DPGQRGNKLP[Thr485=]GEQGLDEDVD

ClinVar aggregate classification (germline): Conflicting classifications of pathogenicity. Review status: criteria provided, conflicting classifications (1 of 4 stars). 3 submissions from 3 submitters: Uncertain significance (1); Likely benign (2). Last evaluated 2026-09-25.

Conditions:
HPS4-related disorder. Also called: HPS4-related condition.
Hermansky-Pudlak syndrome 4 (HPS4). Identifiers: Orphanet 231500, Orphanet 79430, MedGen C3484357, MONDO:0013556, OMIM 614073.

Allele frequency attached by ClinVar (database versions not stated): gnomAD 0.00002 and 0.00003; TOPMed 0.00003; ExAC 0.00004; gnomAD exomes 0.00006.
gnomAD v4.1: 177 of 1,614,220 alleles (0.011%); highest among the groups gnomAD compares: Non-Finnish European, 0.014%; no homozygotes.

Submissions (3):

PreventionGenetics, part of Exact Sciences
Classification: Likely benign for HPS4-related condition. Last evaluated: 2026-09-25. Review status: criteria provided, single submitter. Criteria: ACMG Guidelines, 2015. Collection method: clinical testing. Allele origin: germline.
Comment: This variant is classified as likely benign based on ACMG/AMP sequence variant interpretation guidelines (Richards et al. 2015 PMID: 25741868, with internal and published modifications).

Labcorp Genetics (formerly Invitae), Labcorp
Classification: Likely benign. Last evaluated: 2025-04-17. Review status: criteria provided, single submitter. Criteria: Invitae Variant Classification Sherloc (09022015). Collection method: clinical testing. Allele origin: germline.

Illumina Laboratory Services, Illumina
Classification: Uncertain significance for Hermansky-Pudlak syndrome 4. Last evaluated: 2018-01-12. Review status: criteria provided, single submitter. Criteria: ICSL Variant Classification Criteria 13 December 2019. Collection method: clinical testing. Allele origin: germline.